The following is an entry in ClinVar:

NM_004698.4(PRPF3):c.1530G>A (p.Ala510=)

Gene: PRPF3 (pre-mRNA processing factor 3; plus strand). Cytogenetic location: 1q21.2.
Variant type: single nucleotide variant.
Coding change: c.1530G>A on transcript NM_004698.4 (MANE Select); coding-DNA position 1530, G replaced by A.
Protein change: p.Ala510=; no amino-acid change (alanine 510 retained).
Molecular consequence: synonymous variant. On other transcripts: non-coding transcript variant (4).
Genome position (GRCh38, 1-based): chr1:150,344,437, G>A. VCF-style: chr1-150344437-G-A. GRCh37 (hg19) VCF-style: chr1-150316913-G-A.
Other names: c.1125G>A, p.Ala375= (NM_001350529.1); c.1530G>A (NM_004698.2).
Identifiers: ClinVar variation 1453280 (VCV001453280.10), dbSNP rs782537493, ClinGen allele CA1075662.

ClinVar aggregate classification (germline): Likely benign. Review status: criteria provided, multiple submitters, no conflicts (2 of 4 stars). 3 submissions from 3 submitters: Likely benign (3). Last evaluated 2026-06-18.

Conditions:
PRPF3-related disorder. Also called: PRPF3-related condition.

Allele frequency attached by ClinVar (database versions not stated): ExAC 0.00003; gnomAD 0.00003.
gnomAD v4.1: 55 of 1,614,060 alleles (0.0034%); highest among the groups gnomAD compares: Admixed American, 0.012%; no homozygotes.

Submissions (3):

PreventionGenetics, part of Exact Sciences
Classification: Likely benign for PRPF3-related condition. Last evaluated: 2026-06-18. Review status: criteria provided, single submitter. Criteria: ACMG Guidelines, 2015. Collection method: clinical testing. Allele origin: germline.
Comment: This variant is classified as likely benign based on ACMG/AMP sequence variant interpretation guidelines (Richards et al. 2015 PMID: 25741868, with internal and published modifications).

Labcorp Genetics (formerly Invitae), Labcorp
Classification: Likely benign. Last evaluated: 2026-01-26. Review status: criteria provided, single submitter. Criteria: Invitae Variant Classification Sherloc (09022015). Collection method: clinical testing. Allele origin: germline.

Blueprint Genetics
Classification: Likely benign. Last evaluated: 2024-10-28. Review status: criteria provided, single submitter. Criteria: ACMG Guidelines, 2015. Collection method: clinical testing. Allele origin: germline.